The following is an entry in ClinVar:

ClinVar aggregate classification (germline): Uncertain significance (1 of 4 stars; one submission).

Conditions:
UCP3-related disorder. Also called: UCP3-related condition.

gnomAD v4.1: 9 of 1,614,032 alleles (0.00056%); highest among the groups gnomAD compares: Admixed American, 0.013%; no homozygotes.

Submission:

PreventionGenetics, part of Exact Sciences
Classification: Uncertain significance for UCP3-related condition. Last evaluated: 2026-04-23. Review status: criteria provided, single submitter. Criteria: ACMG Guidelines, 2015. Collection method: clinical testing. Allele origin: germline.
Comment: The UCP3 c.641C>T variant is predicted to result in the amino acid substitution p.Thr214Ile. To our knowledge, this variant has not been reported in the literature. This variant is reported in 0.014% of alleles in individuals of Latino descent in gnomAD. At this time, the clinical significance of this variant is uncertain due to the absence of conclusive functional and genetic evidence.

NM_003356.4(UCP3):c.641C>T (p.Thr214Ile)

Genes: UCP3 (uncoupling protein 3; minus strand), LOC126861261 (MED14-independent group 3 enhancer GRCh37_chr11:73715060-73716259; plus strand). Cytogenetic location: 11q13.4.
Variant type: single nucleotide variant.
Coding change: c.641C>T on transcript NM_003356.4 (MANE Select); coding-DNA position 641, C replaced by T.
Protein change: p.Thr214Ile; replaces threonine 214 with isoleucine.
Molecular consequence: missense variant.
Genome position (GRCh38, 1-based): chr11:74,004,486, G>A on the plus strand (C>T on the coding strand, the complement: UCP3 is on the minus strand). VCF-style: chr11-74004486-G-A. GRCh37 (hg19) VCF-style: chr11-73715531-G-A.
Other names: c.641C>T, p.Thr214Ile (NM_022803.3); short protein forms T214I.
Identifiers: ClinVar variation 4980276 (VCV004980276.1).